The following is an entry in ClinVar:

ClinVar aggregate classification (germline): Likely benign (1 of 4 stars; one submission).

gnomAD v4.1: 65 of 1,612,886 alleles (0.004%); highest among the groups gnomAD compares: African/African-American, 0.0067%; no homozygotes.

Submission:

CeGaT Center for Human Genetics Tuebingen
Classification: Likely benign. Last evaluated: 2026-09-01. Review status: criteria provided, single submitter. Criteria: CeGaT Center For Human Genetics Tuebingen Variant Classification Criteria Version 2. Collection method: clinical testing. Allele origin: germline. Affected: yes. Observed: 1 variant allele.
Comment: CIC: BP4, BP7

NM_001386298.1(CIC):c.2895C>T (p.Ser965=)

Gene: CIC (capicua transcriptional repressor; plus strand). Cytogenetic location: 19q13.2.
Variant type: single nucleotide variant.
Coding change: c.2895C>T on transcript NM_001386298.1 (MANE Select); coding-DNA position 2895, C replaced by T.
Protein change: p.Ser965=; no amino-acid change (serine 965 retained).
Molecular consequence: synonymous variant.
Genome position (GRCh38, 1-based): chr19:42,286,871, C>T. VCF-style: chr19-42286871-C-T. GRCh37 (hg19) VCF-style: chr19-42791023-C-T.
Other names: c.2895C>T, p.Ser965= (NM_001304815.2, NM_001379480.1, NM_001379482.1 and 6 more transcripts); c.168C>T, p.Ser56= (NM_001379484.1, NM_001379485.1, NM_001439189.1 and 3 more transcripts).
Identifiers: ClinVar variation 5040888 (VCV005040888.1).
Genomic context (GRCh38, chr19:42,286,871, plus strand): 5'-TTGGCACTCCTTAGTCCCCTTCCTGGCACCCAGCCAGCCTGACCCCTCCGTGCAGCCGAG[C>T]GAGGCCCAGCAACCTGCCAGCCACCCAGTGGCCTCCAACCAGAGCAAAGGTGAGGGCTGG-3'
Protein context (NP_001373227.1, residues 955-975): PSQPDPSVQP[Ser965=]EAQQPASHPV